The following is an entry in ClinVar:

NM_020163.3(SEMA3G):c.1652G>A (p.Arg551His)

Gene: SEMA3G (semaphorin 3G; minus strand). Cytogenetic location: 3p21.1.
Variant type: single nucleotide variant.
Coding change: c.1652G>A on transcript NM_020163.3 (MANE Select); coding-DNA position 1652, G replaced by A.
Protein change: p.Arg551His; replaces arginine 551 with histidine.
Molecular consequence: missense variant.
Genome position (GRCh38, 1-based): chr3:52,438,057, C>T on the plus strand (G>A on the coding strand, the complement: SEMA3G is on the minus strand). VCF-style: chr3-52438057-C-T. GRCh37 (hg19) VCF-style: chr3-52472073-C-T.
Other names: c.1652G>A (NM_020163.1); short protein forms R551H.
Identifiers: ClinVar variation 3357194 (VCV003357194.3).
Genomic context (GRCh38, chr3:52,438,057, plus strand): 5'-AGGGCAGGGTTGCCGTGCCGGATGTCCTGCCGGCGGAACCGGCGCTTGCCAAGGCTGGGG[C>T]GGTAGTGGGTACAGGAGGCACCATCCCAGGCACAGTATGGGTCCCGGGCCAGGCAGCACT-3'
Protein context (NP_064548.1, residues 541-561): AWDGASCTHY[Arg551His]PSLGKRRFRR

ClinVar aggregate classification (germline): Uncertain significance. Review status: criteria provided, multiple submitters, no conflicts (2 of 4 stars). 2 submissions from 2 submitters: Uncertain significance (2). Last evaluated 2026-09-10.

Conditions:
SEMA3G-related disorder. Also called: SEMA3G-related condition.

gnomAD v4.1: 53 of 1,613,142 alleles (0.0033%); highest among the groups gnomAD compares: Admixed American, 0.077%; no homozygotes.

Submissions (2):

PreventionGenetics, part of Exact Sciences
Classification: Uncertain significance for SEMA3G-related condition. Last evaluated: 2026-09-10. Review status: criteria provided, single submitter. Criteria: ACMG Guidelines, 2015. Collection method: clinical testing. Allele origin: germline.
Comment: The SEMA3G c.1652G>A variant is predicted to result in the amino acid substitution p.Arg551His. To our knowledge, this variant has not been reported in the literature. This variant is reported in 0.12% of alleles in individuals of Latino descent in gnomAD. Although we suspect that this variant may be benign, at this time, the clinical significance of this variant is uncertain due to the absence of conclusive functional and genetic evidence.

Ambry Genetics
Classification: Uncertain significance. Last evaluated: 2024-10-25. Review status: criteria provided, single submitter. Criteria: Ambry Variant Classification Scheme 2023. Collection method: clinical testing. Allele origin: germline.